The following is an entry in ClinVar:

NM_020163.3(SEMA3G):c.1782G>A (p.Thr594=)

Gene: SEMA3G (semaphorin 3G; minus strand). Cytogenetic location: 3p21.1.
Variant type: single nucleotide variant.
Coding change: c.1782G>A on transcript NM_020163.3 (MANE Select); coding-DNA position 1782, G replaced by A.
Protein change: p.Thr594=; no amino-acid change (threonine 594 retained).
Molecular consequence: synonymous variant.
Genome position (GRCh38, 1-based): chr3:52,437,623, C>T on the plus strand (G>A on the coding strand, the complement: SEMA3G is on the minus strand). VCF-style: chr3-52437623-C-T. GRCh37 (hg19) VCF-style: chr3-52471639-C-T.
Identifiers: ClinVar variation 3039862 (VCV003039862.2), dbSNP rs576788684, ClinGen allele CA2437818.

ClinVar aggregate classification (germline): Likely benign (0 of 4 stars; one submission).

Conditions:
SEMA3G-related disorder. Also called: SEMA3G-related condition.

Allele frequency attached by ClinVar (database versions not stated): gnomAD 0.00001; gnomAD exomes 0.00001; TOPMed 0.00001; ExAC 0.00002.

Submission:

PreventionGenetics, part of Exact Sciences
Classification: Likely benign for SEMA3G-related condition. Last evaluated: 2024-01-22. Review status: no assertion criteria provided. Collection method: clinical testing. Allele origin: germline.
Comment: This variant is classified as likely benign based on ACMG/AMP sequence variant interpretation guidelines (Richards et al. 2015 PMID: 25741868, with internal and published modifications).